The following is an entry in ClinVar:

ClinVar aggregate classification (germline): Uncertain significance. Review status: criteria provided, multiple submitters, no conflicts (2 of 4 stars). 2 submissions from 2 submitters: Uncertain significance (2). Last evaluated 2025-10-20.

Conditions:
X-linked intellectual disability with marfanoid habitus. Also called: Lujan Syndrome; INTELLECTUAL DEVELOPMENTAL DISORDER, X-LINKED, SYNDROMIC, LUJAN-FRYNS TYPE; X-linked mental retardation with marfanoid habitus syndrome; Lujan Syndrome (LS). Identifiers: Orphanet 776, MedGen C0796022, MONDO:0010655, OMIM 309520.
FG syndrome (FGS). Identifiers: MedGen C0220769, MONDO:0002010.

Allele frequency attached by ClinVar (database versions not stated): TOPMed 0.00002; gnomAD exomes 0.00001; gnomAD 0.00001.
gnomAD v4.1: 8 of 1,177,475 alleles (0.00068%); highest among the groups gnomAD compares: Middle Eastern, 0.025%; no homozygotes.

Submissions (2):

Labcorp Genetics (formerly Invitae), Labcorp
Classification: Uncertain significance for FG syndrome. Last evaluated: 2025-10-20. Review status: criteria provided, single submitter. Criteria: Invitae Variant Classification Sherloc (09022015). Collection method: clinical testing. Allele origin: germline.
Comment: This sequence change falls in intron 26 of the MED12 gene. It does not directly change the encoded amino acid sequence of the MED12 protein. This variant is present in population databases (no rsID available, gnomAD 0.005%). This variant has not been reported in the literature in individuals affected with MED12-related conditions. ClinVar contains an entry for this variant (Variation ID: 1028859). Algorithms developed to predict the effect of sequence changes on RNA splicing suggest that this variant may disrupt the consensus splice site. In summary, the available evidence is currently insufficient to determine the role of this variant in disease. Therefore, it has been classified as a Variant of Uncertain Significance.

Baylor Genetics
Classification: Uncertain significance for X-linked intellectual disability with marfanoid habitus. Last evaluated: 2019-09-19. Review status: criteria provided, single submitter. Criteria: ACMG Guidelines, 2015. Collection method: clinical testing. Allele origin: unknown. Affected: yes.
Comment: This variant was determined to be of uncertain significance according to ACMG Guidelines, 2015 [PMID:25741868].

NM_005120.3(MED12):c.3692-7A>G

Gene: MED12 (mediator complex subunit 12; plus strand). Cytogenetic location: Xq13.1.
Variant type: single nucleotide variant.
Coding change: c.3692-7A>G on transcript NM_005120.3 (MANE Select); 7 bases into the intron before coding-DNA position 3692, A replaced by G.
Molecular consequence: intron variant.
Genome position (GRCh38, 1-based): chrX:71,129,673, A>G. VCF-style: chrX-71129673-A-G. GRCh37 (hg19) VCF-style: chrX-70349523-A-G.
Identifiers: ClinVar variation 1028859 (VCV001028859.12), dbSNP rs1014804538, ClinGen allele CA330980594.